The following is an entry in ClinVar:

ClinVar aggregate classification (germline): Likely pathogenic. Review status: criteria provided, multiple submitters, no conflicts (2 of 4 stars). 7 submissions from 7 submitters: Likely pathogenic (5). 2 of the submissions do not count toward it. Last evaluated 2026-01-29.

Conditions:
Biotinidase deficiency. Also called: BTD deficiency; Late-onset biotin-responsive multiple carboxylase deficiency; Biotin deficiency. Identifiers: Orphanet 79241, MedGen C0220754, MONDO:0009665, OMIM 253260.

Allele frequency attached by ClinVar (database versions not stated): gnomAD exomes below 0.00001 and 0.00001; TOPMed below 0.00001; gnomAD 0.00001; ExAC 0.00002.
gnomAD v4.1: 7 of 1,614,078 alleles (0.00043%); highest among the groups gnomAD compares: Non-Finnish European, 0.00059%; no homozygotes.

Submissions (7):

Myriad Genetics, Inc.
Classification: Likely pathogenic for Biotinidase deficiency. Last evaluated: 2026-01-29. Review status: criteria provided, single submitter. Criteria: Myriad Autosomal Dominant, Autosomal Recessive and X-Linked Classification Criteria (2023). Collection method: clinical testing. Allele origin: unknown.
Comment: NM_000060.2(BTD):c.764T>C(I255T) is a missense variant classified as likely pathogenic in the context of biotinidase deficiency. I255T has been observed in cases with relevant disease (PMID: 20224900, 25144890, 38299772). Relevant functional assessments of this variant are not available in the literature. I255T has been observed in referenced population frequency databases. In summary, NM_000060.2(BTD):c.764T>C(I255T) is a missense variant that has been observed more frequently in cases with the relevant disease than in healthy populations. Please note: this variant was assessed in the context of healthy population screening.

Fulgent Genetics
Classification: Likely pathogenic for Biotinidase deficiency. Last evaluated: 2024-05-10. Review status: criteria provided, single submitter. Criteria: ACMG Guidelines, 2015. Collection method: clinical testing. Allele origin: germline.

Baylor Genetics
Classification: Likely pathogenic for Biotinidase deficiency. Last evaluated: 2024-03-11. Review status: criteria provided, single submitter. Criteria: ACMG Guidelines, 2015. Collection method: clinical testing. Allele origin: unknown.

Labcorp Genetics (formerly Invitae), Labcorp
Classification: Likely pathogenic for Biotinidase deficiency. Last evaluated: 2023-08-21. Review status: criteria provided, single submitter. Criteria: Invitae Variant Classification Sherloc (09022015). Collection method: clinical testing. Allele origin: germline.
Comment: In summary, the currently available evidence indicates that the variant is pathogenic, but additional data are needed to prove that conclusively. Therefore, this variant has been classified as Likely Pathogenic. Advanced modeling of protein sequence and biophysical properties (such as structural, functional, and spatial information, amino acid conservation, physicochemical variation, residue mobility, and thermodynamic stability) performed at Invitae indicates that this missense variant is expected to disrupt BTD protein function. ClinVar contains an entry for this variant (Variation ID: 25040). This missense change has been observed in individual(s) with biotinidase deficiency (PMID: 20224900, 25144890; Invitae). In at least one individual the data is consistent with being in trans (on the opposite chromosome) from a pathogenic variant. This variant is present in population databases (rs397514384, gnomAD 0.002%). This sequence change replaces isoleucine, which is neutral and non-polar, with threonine, which is neutral and polar, at codon 255 of the BTD protein (p.Ile255Thr).

Women's Health and Genetics/Laboratory Corporation of America, LabCorp
Classification: Likely pathogenic for Biotinidase deficiency. Last evaluated: 2023-03-17. Review status: criteria provided, single submitter. Criteria: LabCorp Variant Classification Summary - May 2015. Collection method: clinical testing. Allele origin: germline.
Comment: Variant summary: BTD c.704T>C (p.Ile235Thr) results in a non-conservative amino acid change located in the Carbon-nitrogen hydrolase domain (IPR003010) of the encoded protein sequence. Three of five in-silico tools predict a benign effect of the variant on protein function. The variant allele was found at a frequency of 8e-06 in 251440 control chromosomes (gnomAD). c.704T>C has been reported in the literature in at least three compound heterozygous individuals affected with Biotinidase Deficiency (Ohlsson_2010, Jay_2015), who carried a pathogenic variant in trans. In one of the reported patients the biotinidase activity in plasma was immeasurable, suggesting this variant results in profound Biotinidase deficiency (Ohlsson_2010). Two clinical diagnostic laboratories have submitted clinical-significance assessments for this variant to ClinVar after 2014, and classified the variant as likely pathogenic, or as uncertain significance. Based on the evidence outlined above, the variant was classified as likely pathogenic.

Natera, Inc.
Classification: Likely pathogenic for Biotinidase deficiency. Last evaluated: 2021-11-17. Review status: no assertion criteria provided. Collection method: clinical testing. Allele origin: germline. Not counted in ClinVar's aggregate classification.

Counsyl
Classification: Uncertain significance for Biotinidase deficiency. Last evaluated: 2018-03-28. Review status: no assertion criteria provided. Collection method: clinical testing. Allele origin: unknown. Not counted in ClinVar's aggregate classification.

Literature cited by the submitters: PubMed 20224900 (cited by 4 submitters); PubMed 25144890 (cited by 4 submitters); PubMed 38299772 (cited by Myriad Genetics, Inc.); PubMed 20556795 (cited by Women's Health and Genetics/Laboratory Corporation of America, LabCorp); PubMed 26635394 (cited by Counsyl).

NM_001370658.1(BTD):c.704T>C (p.Ile235Thr)

Gene: BTD (biotinidase; plus strand). Cytogenetic location: 3p25.1.
Variant type: single nucleotide variant.
Coding change: c.704T>C on transcript NM_001370658.1 (MANE Select); coding-DNA position 704, T replaced by C.
Protein change: p.Ile235Thr; replaces isoleucine 235 with threonine.
Molecular consequence: missense variant. On other transcripts: intron variant (1).
Genome position (GRCh38, 1-based): chr3:15,644,620, T>C. VCF-style: chr3-15644620-T-C. GRCh37 (hg19) VCF-style: chr3-15686127-T-C.
Other names: c.764T>C, p.Ile255Thr (NM_000060.4); c.704T>C, p.Ile235Thr (NM_001281723.4, NM_001281724.3, NM_001281725.3 and 18 more transcripts); c.399+2563T>C (NM_001370753.1); short protein forms I235T.
Identifiers: ClinVar variation 25040 (VCV000025040.16), dbSNP rs397514384, ClinGen allele CA278258.